The following is an entry in ClinVar:

NM_005609.4(PYGM):c.577dup (p.Ala193fs)

Gene: PYGM (glycogen phosphorylase, muscle associated; minus strand). Cytogenetic location: 11q13.1.
Variant type: Duplication.
Coding change: c.577dup on transcript NM_005609.4 (MANE Select); coding-DNA position 577, one base duplicated (G; older notation c.577dupG).
Protein change: p.Ala193fs; shifts the reading frame from alanine 193.
Molecular consequence: frameshift variant.
Genome position (GRCh38, 1-based): chr11:64,757,862, C duplicated on the plus strand (G on the coding strand, the reverse complement: PYGM is on the minus strand); the first of 2 consecutive C bases (chr11:64,757,862-64,757,863); duplicating either gives the same sequence. VCF-style (leftmost placement, unchanged base first): chr11-64757861-G-GC. GRCh37 (hg19) VCF-style: chr11-64525333-G-GC.
Other names: c.313dup, p.Ala105fs (NM_001164716.1); short protein forms A105fs, A193fs.
Identifiers: ClinVar variation 5015901 (VCV005015901.1).

ClinVar aggregate classification (germline): Pathogenic (1 of 4 stars; one submission).

Conditions:
Glycogen storage disease, type V (GSD5). Also called: MCARDLE DISEASE; MUSCLE GLYCOGEN PHOSPHORYLASE DEFICIENCY; MYOPHOSPHORYLASE DEFICIENCY; PYGM DEFICIENCY; McArdle type glycogen storage disease. Identifiers: Orphanet 368, MedGen C0017924, MONDO:0009293, OMIM 232600.

Submission:

Myriad Genetics, Inc.
Classification: Pathogenic for Glycogen storage disease, type V. Last evaluated: 2026-05-11. Review status: criteria provided, single submitter. Criteria: Myriad Autosomal Dominant, Autosomal Recessive and X-Linked Classification Criteria (2023). Collection method: clinical testing. Allele origin: unknown.
Comment: NM_005609.2(PYGM):c.577dupG(A193Gfs*60) is expected to be pathogenic in the context of glycogen storage disease, PYGM-related. This variant is predicted to lead to an abnormal or absent protein product due to the creation of a premature termination codon in PYGM, a gene where loss-of-function variants are known to be pathogenic. Please note: this variant was assessed in the context of healthy population screening.